The following is an entry in ClinVar:

ClinVar aggregate classification (germline): Benign/Likely benign. Review status: criteria provided, multiple submitters, no conflicts (2 of 4 stars). 5 submissions from 5 submitters: Benign (2); Likely benign (1). 2 of the submissions do not count toward it. Last evaluated 2026-02-01.

Conditions:
Diabetes insipidus, nephrogenic, X-linked. Also called: Nephrogenic Diabetes Insipidus, Type I. Identifiers: Orphanet 223, MedGen C1563705, MONDO:0010581, OMIM 304800.

Allele frequency attached by ClinVar (database versions not stated): ESP Exome Variant Server 0.00076; gnomAD exomes 0.00090 and 0.00128; ExAC 0.00098; TOPMed 0.00098; gnomAD 0.00102 and 0.00106; 1000 Genomes Project 0.00106; 1000 Genomes Project 30x 0.00125.
gnomAD v4.1: 1,507 of 1,204,842 alleles (0.13%); highest among the groups gnomAD compares: Non-Finnish European, 0.15%; no homozygotes.

Submissions (5):

Labcorp Genetics (formerly Invitae), Labcorp
Classification: Benign. Last evaluated: 2026-02-01. Review status: criteria provided, single submitter. Criteria: Invitae Variant Classification Sherloc (09022015). Collection method: clinical testing. Allele origin: germline.

Blueprint Genetics
Classification: Likely benign. Last evaluated: 2024-11-21. Review status: criteria provided, single submitter. Criteria: ACMG Guidelines, 2015. Collection method: clinical testing. Allele origin: germline.

Illumina Laboratory Services, Illumina
Classification: Benign for Diabetes insipidus, nephrogenic, X-linked. Last evaluated: 2018-01-13. Review status: criteria provided, single submitter. Criteria: ICSL Variant Classification Criteria 13 December 2019. Collection method: clinical testing. Allele origin: germline.
Comment: This variant was observed in the ICSL laboratory as part of a predisposition screen in an ostensibly healthy population. It had not been previously curated by ICSL or reported in the Human Gene Mutation Database (HGMD: prior to June 1st, 2018), and was therefore a candidate for classification through an automated scoring system. Utilizing variant allele frequency, disease prevalence and penetrance estimates, and inheritance mode, an automated score was calculated to assess if this variant is too frequent to cause the disease. Based on the score and internal cut-off values, a variant classified as benign is not then subjected to further curation. The score for this variant resulted in a classification of benign for this disease.

Clinical Genetics DNA and cytogenetics Diagnostics Lab, Erasmus MC, Erasmus Medical Center
Classification: Likely benign. Review status: no assertion criteria provided. Collection method: clinical testing. Allele origin: germline. Affected: yes. Study: VKGL Data-share Consensus. Not counted in ClinVar's aggregate classification.

Genome Diagnostics Laboratory, University Medical Center Utrecht
Classification: Benign. Review status: no assertion criteria provided. Collection method: clinical testing. Allele origin: germline. Affected: yes. Study: VKGL Data-share Consensus. Not counted in ClinVar's aggregate classification.

NM_000054.7(AVPR2):c.1017G>A (p.Leu339=)

Gene: AVPR2 (arginine vasopressin receptor 2; plus strand). Cytogenetic location: Xq28.
Variant type: single nucleotide variant.
Coding change: c.1017G>A on transcript NM_000054.7 (MANE Select); coding-DNA position 1017, G replaced by A.
Protein change: p.Leu339=; no amino-acid change (leucine 339 retained).
Molecular consequence: synonymous variant. On other transcripts: 3 prime UTR variant (1), non-coding transcript variant (1).
Genome position (GRCh38, 1-based): chrX:153,906,629, G>A. VCF-style: chrX-153906629-G-A. GRCh37 (hg19) VCF-style: chrX-153172083-G-A.
Other names: c.*193G>A (NM_001146151.3).
Identifiers: ClinVar variation 710721 (VCV000710721.15), dbSNP rs149557877, ClinGen allele CA10555120.
Genomic context (GRCh38, chrX:153,906,629, plus strand): 5'-CACCAACCCCTGGATCTATGCATCTTTCAGCAGCAGCGTGTCCTCAGAGCTGCGAAGCTT[G>A]CTCTGCTGTGCCCGGGGACGCACCCCACCCAGCCTGGGTCCCCAAGATGAGTCCTGCACC-3'
Protein context (NP_000045.1, residues 329-349): SSSVSSELRS[Leu339=]LCCARGRTPP